The following is an entry in ClinVar:

NM_000487.6(ARSA):c.263del (p.Gly88fs)

Gene: ARSA (arylsulfatase A; minus strand). Cytogenetic location: 22q13.33.
Variant type: Deletion.
Coding change: c.263del on transcript NM_000487.6 (MANE Select); coding-DNA position 263, one base deleted (G; older notation c.263delG).
Protein change: p.Gly88fs; shifts the reading frame from glycine 88.
Molecular consequence: frameshift variant. On other transcripts: initiator codon variant (2).
Genome position (GRCh38, 1-based): chr22:50,627,368, C deleted on the plus strand (G on the coding strand, the reverse complement: ARSA is on the minus strand); the first of 3 consecutive C bases (chr22:50,627,368-50,627,370); deleting any one gives the same sequence. VCF-style (leftmost placement, unchanged base first): chr22-50627367-GC-G. GRCh37 (hg19) VCF-style: chr22-51065795-GC-G.
Other names: c.263del, p.Gly88fs (NM_001085425.3, NM_001085426.3, NM_001085427.3); c.5del, p.Gly2fs (NM_001085428.3, NM_001362782.2); short protein forms G2fs, G88fs.
Identifiers: ClinVar variation 1982373 (VCV001982373.5), dbSNP rs2082692831, ClinGen allele CA2410959583.

ClinVar aggregate classification (germline): Pathogenic (1 of 4 stars; one submission).

Conditions:
Metachromatic leukodystrophy (MLD). Also called: CEREBROSIDE SULFATASE DEFICIENCY; METACHROMATIC LEUKOENCEPHALOPATHY; SULFATIDE LIPIDOSIS; Cerebral sclerosis diffuse metachromatic form; Arylsulfatase A Deficiency; ARSA DEFICIENCY. Identifiers: Orphanet 512, MedGen C0023522, MONDO:0018868, OMIM 250100.

Submission:

Labcorp Genetics (formerly Invitae), Labcorp
Classification: Pathogenic for Metachromatic leukodystrophy. Last evaluated: 2024-03-05. Review status: criteria provided, single submitter. Criteria: Invitae Variant Classification Sherloc (09022015). Collection method: clinical testing. Allele origin: germline.
Comment: This sequence change creates a premature translational stop signal (p.Gly88Alafs*20) in the ARSA gene. It is expected to result in an absent or disrupted protein product. Loss-of-function variants in ARSA are known to be pathogenic (PMID: 8962139, 10477432). This variant is not present in population databases (gnomAD no frequency). This variant has not been reported in the literature in individuals affected with ARSA-related conditions. ClinVar contains an entry for this variant (Variation ID: 1982373). For these reasons, this variant has been classified as Pathogenic.

Literature cited by the submitters: PubMed 8962139; PubMed 10477432.